The following is an entry in ClinVar:

ClinVar aggregate classification (germline): Uncertain significance (1 of 4 stars; one submission).

Conditions:
Developmental and epileptic encephalopathy, 12 (DEE12). Identifiers: MedGen C3150988, MONDO:0013389, OMIM 613722.

Allele frequency attached by ClinVar (database versions not stated): gnomAD 0.00001; TOPMed 0.00001; ESP Exome Variant Server 0.00008.
gnomAD v4.1: 2 of 1,613,844 alleles (0.00012%); highest among the groups gnomAD compares: Non-Finnish European, 0.00017%; no homozygotes.

Submission:

Labcorp Genetics (formerly Invitae), Labcorp
Classification: Uncertain significance for Developmental and epileptic encephalopathy, 12. Last evaluated: 2020-12-15. Review status: criteria provided, single submitter. Criteria: Invitae Variant Classification Sherloc (09022015). Collection method: clinical testing. Allele origin: germline.
Comment: This sequence change replaces phenylalanine with serine at codon 654 of the PLCB1 protein (p.Phe654Ser). The phenylalanine residue is highly conserved and there is a large physicochemical difference between phenylalanine and serine. This variant is present in population databases (rs369668806, ExAC 0.003%). This variant has not been reported in the literature in individuals with PLCB1-related conditions. Algorithms developed to predict the effect of missense changes on protein structure and function are either unavailable or do not agree on the potential impact of this missense change (SIFT: "Tolerated"; PolyPhen-2: "Probably Damaging"; Align-GVGD: "Class C0"). In summary, the available evidence is currently insufficient to determine the role of this variant in disease. Therefore, it has been classified as a Variant of Uncertain Significance.

NM_015192.4(PLCB1):c.1961T>C (p.Phe654Ser)

Gene: PLCB1 (phospholipase C beta 1; plus strand). Cytogenetic location: 20p12.3.
Variant type: single nucleotide variant.
Coding change: c.1961T>C on transcript NM_015192.4 (MANE Select); coding-DNA position 1961, T replaced by C.
Protein change: p.Phe654Ser; replaces phenylalanine 654 with serine.
Molecular consequence: missense variant.
Genome position (GRCh38, 1-based): chr20:8,733,310, T>C. VCF-style: chr20-8733310-T-C. GRCh37 (hg19) VCF-style: chr20-8713957-T-C.
Other names: c.1961T>C, p.Phe654Ser (NM_182734.3); short protein forms F654S.
Identifiers: ClinVar variation 1373154 (VCV001373154.7), dbSNP rs369668806, ClinGen allele CA9760119.